The following is an entry in ClinVar:

NM_001037283.2(EIF3B):c.1957A>G (p.Met653Val)

Gene: EIF3B (eukaryotic translation initiation factor 3 subunit B; plus strand). Cytogenetic location: 7p22.3.
Variant type: single nucleotide variant.
Coding change: c.1957A>G on transcript NM_001037283.2 (MANE Select); coding-DNA position 1957, A replaced by G.
Protein change: p.Met653Val; replaces methionine 653 with valine.
Molecular consequence: missense variant.
Genome position (GRCh38, 1-based): chr7:2,375,456, A>G. VCF-style: chr7-2375456-A-G. GRCh37 (hg19) VCF-style: chr7-2415091-A-G.
Other names: c.1957A>G, p.Met653Val (NM_001362791.2, NM_003751.4); c.1141A>G, p.Met381Val (NM_001362792.2, NM_001362793.2); short protein forms M381V, M653V.
Identifiers: ClinVar variation 4686163 (VCV004686163.1).

ClinVar aggregate classification (germline): Uncertain significance (1 of 4 stars; one submission).

gnomAD v4.1: 1 of 1,614,140 alleles (0.000062%); highest among the groups gnomAD compares: Non-Finnish European, 0.000085%; no homozygotes.

Submission:

GeneDx
Classification: Uncertain significance. Last evaluated: 2025-07-16. Review status: criteria provided, single submitter. Criteria: GeneDx Variant Classification Process June 2021. Collection method: clinical testing. Allele origin: germline. Affected: yes.
Comment: Not observed at significant frequency in large population cohorts (gnomAD); In silico analysis supports that this missense variant has a deleterious effect on protein structure/function; Has not been previously published as pathogenic or benign to our knowledge; Variants in candidate genes are classified as variants of uncertain significance in accordance with ACMG guidelines (PMID: 25741868)